The following is an entry in ClinVar:

ClinVar aggregate classification (germline): Pathogenic/Likely pathogenic. Review status: criteria provided, multiple submitters, no conflicts (2 of 4 stars). 4 submissions from 4 submitters: Pathogenic (2); Likely pathogenic (1). 1 of the submissions does not count toward it. Last evaluated 2024-04-15.

Conditions:
Achromatopsia. Also called: Rod monochromatism. Identifiers: Orphanet 49382, MedGen C0152200, MONDO:0018852, HP:0011516.
Achromatopsia 3 (ACHM3). Also called: PINGELAPESE BLINDNESS; ACHROMATOPSIA WITH MYOPIA; TOTAL COLORBLINDNESS WITH MYOPIA; ROD MONOCHROMACY 1; ROD MONOCHROMATISM 1. Identifiers: Orphanet 49382, MedGen C1849792, MONDO:0009875, OMIM 262300.

Submissions (4):

Natera, Inc.
Classification: Pathogenic for Achromatopsia. Last evaluated: 2024-04-15. Review status: criteria provided, single submitter. Criteria: Natera Variant Classification Schema (03/2026). Collection method: clinical testing. Allele origin: germline.
Comment: The c.412delA variant in CNGB3 is a frameshift variant predicted to shift the reading frame beginning at codon 138 and leads to a stop codon 14 codons downstream. This variant is expected to result in nonsense mediated decay, truncation, or a dysfunctional protein product. This variant is rare in the general population with a frequency below the threshold expected for the associated phenotype(s). This variant has been observed in one or more individuals affected with the associated recessive disease, as either homozygous or compound heterozygous with a second variant (PMID: 36669873). Given the available evidence, this variant is classified as Pathogenic.

Labcorp Genetics (formerly Invitae), Labcorp
Classification: Pathogenic. Last evaluated: 2024-03-20. Review status: criteria provided, single submitter. Criteria: Invitae Variant Classification Sherloc (09022015). Collection method: clinical testing. Allele origin: germline.
Comment: This sequence change creates a premature translational stop signal (p.Arg138Glufs*14) in the CNGB3 gene. It is expected to result in an absent or disrupted protein product. Loss-of-function variants in CNGB3 are known to be pathogenic (PMID: 28795510). This variant is present in population databases (no rsID available, gnomAD 0.0009%). This variant has not been reported in the literature in individuals affected with CNGB3-related conditions. ClinVar contains an entry for this variant (Variation ID: 370817). For these reasons, this variant has been classified as Pathogenic.

Fulgent Genetics
Classification: Likely pathogenic for Achromatopsia 3. Last evaluated: 2024-02-14. Review status: criteria provided, single submitter. Criteria: ACMG Guidelines, 2015. Collection method: clinical testing. Allele origin: germline.

Counsyl
Classification: Likely pathogenic for Achromatopsia 3. Last evaluated: 2016-04-19. Review status: no assertion criteria provided. Collection method: clinical testing. Allele origin: unknown. Not counted in ClinVar's aggregate classification.

Literature cited by the submitters: PubMed 36669873 (cited by Natera, Inc.); PubMed 28795510 (cited by Labcorp Genetics (formerly Invitae), Labcorp).

NM_019098.5(CNGB3):c.412del (p.Arg138fs)

Gene: CNGB3 (cyclic nucleotide gated channel subunit beta 3; minus strand). Cytogenetic location: 8q21.3.
Variant type: Deletion.
Coding change: c.412del on transcript NM_019098.5 (MANE Select); coding-DNA position 412, one base deleted (A; older notation c.412delA).
Protein change: p.Arg138fs; shifts the reading frame from arginine 138.
Molecular consequence: frameshift variant.
Genome position (GRCh38, 1-based): chr8:86,671,025, T deleted on the plus strand (A on the coding strand, the reverse complement: CNGB3 is on the minus strand); the first of 4 consecutive T bases (chr8:86,671,025-86,671,028); deleting any one gives the same sequence. VCF-style (leftmost placement, unchanged base first): chr8-86671024-CT-C. GRCh37 (hg19) VCF-style: chr8-87683252-CT-C.
Other names: c.412delA (NM_019098.4); short protein forms R138fs.
Identifiers: ClinVar variation 370817 (VCV000370817.11), dbSNP rs1057516791, ClinGen allele CA16041197.